The following is an entry in ClinVar:

NM_007194.4(CHEK2):c.1009-1264C>G

Gene: CHEK2 (checkpoint kinase 2; minus strand). Cytogenetic location: 22q12.1.
Variant type: single nucleotide variant.
Coding change: c.1009-1264C>G on transcript NM_007194.4 (MANE Select); 1264 bases into the intron before coding-DNA position 1009, C replaced by G.
Molecular consequence: intron variant.
Genome position (GRCh38, 1-based): chr22:28,698,251, G>C on the plus strand (C>G on the coding strand, the complement: CHEK2 is on the minus strand). VCF-style: chr22-28698251-G-C. GRCh37 (hg19) VCF-style: chr22-29094239-G-C.
Other names: c.346-1264C>G (NM_001437942.1, NM_001257387.3); c.808-1264C>G (NM_001349956.3); c.1008+1587C>G (NM_145862.3); c.1101+1587C>G (NM_001438295.1); c.1102-1264C>G (NM_001438293.1); c.1137+1587C>G (NM_001438294.1); c.1138-1264C>G (NM_001005735.3).
Identifiers: ClinVar variation 2762279 (VCV002762279.3), dbSNP rs2517834195, ClinGen allele CA2697552613.

ClinVar aggregate classification (germline): Pathogenic (1 of 4 stars; one submission).

Conditions:
Familial cancer of breast. Also called: Hereditary breast cancer; BREAST CANCER, FAMILIAL; hereditary breast carcinoma. Identifiers: Orphanet 227535, MedGen C0346153, MONDO:0016419, OMIM 114480. Disease mechanism: loss of function.

Submission:

Labcorp Genetics (formerly Invitae), Labcorp
Classification: Pathogenic for Familial cancer of breast. Last evaluated: 2025-11-10. Review status: criteria provided, single submitter. Criteria: Invitae Variant Classification Sherloc (09022015). Collection method: clinical testing. Allele origin: germline.
Comment: This sequence change falls in intron 9 of the CHEK2 gene. It does not directly change the encoded amino acid sequence of the CHEK2 protein. RNA analysis indicates that this variant induces altered splicing and may result in an absent or altered protein product. The frequency data for this variant in the population databases is considered unreliable, as metrics indicate insufficient coverage at this position in the gnomAD database. This variant has not been reported in the literature in individuals affected with CHEK2-related conditions. ClinVar contains an entry for this variant (Variation ID: 2762279). Studies have shown that this variant results in activation of a cryptic splice site, and produces a non-functional protein and/or introduces a premature termination codon (internal data). For these reasons, this variant has been classified as Pathogenic.